The following is an entry in ClinVar:

NM_001940.4(ATN1):c.3096G>A (p.Ala1032=)

Gene: ATN1 (atrophin 1; plus strand). Cytogenetic location: 12p13.31.
Variant type: single nucleotide variant.
Coding change: c.3096G>A on transcript NM_001940.4 (MANE Select); coding-DNA position 3096, G replaced by A.
Protein change: p.Ala1032=; no amino-acid change (alanine 1032 retained).
Molecular consequence: synonymous variant.
Genome position (GRCh38, 1-based): chr12:6,939,059, G>A. VCF-style: chr12-6939059-G-A. GRCh37 (hg19) VCF-style: chr12-7048222-G-A.
Other names: c.3096G>A, p.Ala1032= (NM_001007026.2, NM_001424176.1, NM_001424177.1 and 1 more transcripts); c.3093G>A, p.Ala1031= (NM_001424179.1, NM_001424180.1); c.3075G>A, p.Ala1025= (NM_001424181.1); c.3072G>A, p.Ala1024= (NM_001424182.1).
Identifiers: ClinVar variation 2642658 (VCV002642658.24), dbSNP rs373938571, ClinGen allele CA6420935.

ClinVar aggregate classification (germline): Likely benign (1 of 4 stars; one submission).

Allele frequency attached by ClinVar (database versions not stated): ESP Exome Variant Server 0.00015; TOPMed 0.00015; gnomAD 0.00018; ExAC 0.00022; gnomAD exomes 0.00040.
gnomAD v4.1: 603 of 1,605,290 alleles (0.038%); highest among the groups gnomAD compares: Non-Finnish European, 0.049%; 2 homozygotes.

Submission:

CeGaT Center for Human Genetics Tuebingen
Classification: Likely benign. Last evaluated: 2022-06-01. Review status: criteria provided, single submitter. Criteria: CeGaT Center For Human Genetics Tuebingen Variant Classification Criteria Version 2. Collection method: clinical testing. Allele origin: germline. Affected: yes. Observed: 1 variant allele.
Comment: ATN1: BP4, BP7